The following is an entry in ClinVar:

NM_014845.6(FIG4):c.67-7T>C

Gene: FIG4 (FIG4 phosphoinositide 5-phosphatase; plus strand). Cytogenetic location: 6q21.
Variant type: single nucleotide variant.
Coding change: c.67-7T>C on transcript NM_014845.6 (MANE Select); 7 bases into the intron before coding-DNA position 67, T replaced by C.
Molecular consequence: intron variant.
Genome position (GRCh38, 1-based): chr6:109,715,071, T>C. VCF-style: chr6-109715071-T-C. GRCh37 (hg19) VCF-style: chr6-110036274-T-C.
Other names: p.?.
Identifiers: ClinVar variation 137374 (VCV000137374.24), dbSNP rs56378532, ClinGen allele CA290931.

ClinVar aggregate classification (germline): Benign/Likely benign. Review status: criteria provided, multiple submitters, no conflicts (2 of 4 stars). 13 submissions from 12 submitters: Benign (8); Likely benign (1). 4 of the submissions do not count toward it. Last evaluated 2026-02-03.

Conditions:
Charcot-Marie-Tooth disease. Also called: Charcot-Marie-Tooth Hereditary Neuropathy; Charcot-Marie-Tooth Neuropathy. Identifiers: Orphanet 166, MedGen C0007959, MONDO:0015626.
Charcot-Marie-Tooth disease type 4. Also called: Charcot-Marie-Tooth disease, type IV; Charcot-Marie-Tooth, Type 4. Identifiers: Orphanet 64749, MedGen C4082197, MONDO:0018995.
Charcot-Marie-Tooth disease type 4J (CMT4J). Also called: CHARCOT-MARIE-TOOTH DISEASE, AUTOSOMAL RECESSIVE, TYPE 4J; CHARCOT-MARIE-TOOTH DISEASE, DEMYELINATING, TYPE 4J; Charcot-Marie-Tooth Neuropathy Type 4J. Identifiers: Orphanet 139515, MedGen C1970011, MONDO:0012640, OMIM 611228.
Amyotrophic lateral sclerosis type 11 (ALS11). Identifiers: Orphanet 803, MedGen C2675491, MONDO:0012945, OMIM 612577.

Allele frequency attached by ClinVar (database versions not stated): gnomAD 0.04073 and 0.04253; ESP Exome Variant Server 0.04306; TOPMed 0.04578; 1000 Genomes Project 30x 0.04653; 1000 Genomes Project 0.04752; gnomAD exomes 0.05401 and 0.05899; ExAC 0.05853.

Submissions (13):

Labcorp Genetics (formerly Invitae), Labcorp
Classification: Benign for Charcot-Marie-Tooth disease type 4. Last evaluated: 2026-02-03. Review status: criteria provided, single submitter. Criteria: Invitae Variant Classification Sherloc (09022015). Collection method: clinical testing. Allele origin: germline.

Blueprint Genetics
Classification: Likely benign. Last evaluated: 2024-11-26. Review status: criteria provided, single submitter. Criteria: ACMG Guidelines, 2015. Collection method: clinical testing. Allele origin: germline.

Athena Diagnostics
Classification: Benign. Last evaluated: 2021-04-22. Review status: criteria provided, single submitter. Criteria: Athena Diagnostics Criteria. Collection method: clinical testing. Allele origin: unknown.

Illumina Laboratory Services, Illumina
Classification: Benign for Amyotrophic lateral sclerosis type 11. Last evaluated: 2018-01-13. Review status: criteria provided, single submitter. Criteria: ICSL Variant Classification Criteria 13 December 2019. Collection method: clinical testing. Allele origin: germline.
Comment: This variant was observed in the ICSL laboratory as part of a predisposition screen in an ostensibly healthy population. It had not been previously curated by ICSL or reported in the Human Gene Mutation Database (HGMD: prior to June 1st, 2018), and was therefore a candidate for classification through an automated scoring system. Utilizing variant allele frequency, disease prevalence and penetrance estimates, and inheritance mode, an automated score was calculated to assess if this variant is too frequent to cause the disease. Based on the score and internal cut-off values, a variant classified as benign is not then subjected to further curation. The score for this variant resulted in a classification of benign for this disease.

Illumina Laboratory Services, Illumina
Classification: Benign for Charcot-Marie-Tooth disease type 4J. Last evaluated: 2018-01-13. Review status: criteria provided, single submitter. Criteria: ICSL Variant Classification Criteria 13 December 2019. Collection method: clinical testing. Allele origin: germline.
Comment: the same text as in the submission from Illumina Laboratory Services, Illumina above.

Mayo Clinic Laboratories, Mayo Clinic
Classification: Benign. Last evaluated: 2016-04-29. Review status: criteria provided, single submitter. Criteria: ACMG Guidelines, 2015. Collection method: clinical testing. Allele origin: germline. Observed: 310 variant alleles.

GeneDx
Classification: Benign. Last evaluated: 2014-03-24. Review status: criteria provided, single submitter. Criteria: GeneDx Variant Classification (06012015). Collection method: clinical testing. Allele origin: germline. Affected: yes.
Comment: This variant is considered likely benign or benign based on one or more of the following criteria: it is a conservative change, it occurs at a poorly conserved position in the protein, it is predicted to be benign by multiple in silico algorithms, and/or has population frequency not consistent with disease.

Molecular Genetics Laboratory, London Health Sciences Centre
Classification: Benign for Charcot-Marie-Tooth disease. Review status: criteria provided, single submitter. Criteria: ACMG Guidelines, 2015. Collection method: clinical testing. Allele origin: germline. Affected: yes.

PreventionGenetics, part of Exact Sciences
Classification: Benign. Review status: criteria provided, single submitter. Criteria: ACMG Guidelines, 2015. Collection method: clinical testing. Allele origin: germline.

Clinical Genetics DNA and cytogenetics Diagnostics Lab, Erasmus MC, Erasmus Medical Center
Classification: Benign. Review status: no assertion criteria provided. Collection method: clinical testing. Allele origin: germline. Affected: yes. Study: VKGL Data-share Consensus. Not counted in ClinVar's aggregate classification.

Clinical Genetics, Academic Medical Center
Classification: Benign. Review status: no assertion criteria provided. Collection method: clinical testing. Allele origin: germline. Affected: yes. Study: VKGL Data-share Consensus. Not counted in ClinVar's aggregate classification.

Genome Diagnostics Laboratory, Amsterdam University Medical Center
Classification: Benign. Review status: no assertion criteria provided. Collection method: clinical testing. Allele origin: germline. Affected: yes. Study: VKGL Data-share Consensus. Not counted in ClinVar's aggregate classification.

Genome Diagnostics Laboratory, University Medical Center Utrecht
Classification: Benign. Review status: no assertion criteria provided. Collection method: clinical testing. Allele origin: germline. Affected: yes. Study: VKGL Data-share Consensus. Not counted in ClinVar's aggregate classification.